The following is an entry in ClinVar:

NM_001430.5(EPAS1):c.2186G>A (p.Gly729Asp)

Gene: EPAS1 (endothelial PAS domain protein 1; plus strand). Cytogenetic location: 2p21.
Variant type: single nucleotide variant.
Coding change: c.2186G>A on transcript NM_001430.5 (MANE Select); coding-DNA position 2186, G replaced by A.
Protein change: p.Gly729Asp; replaces glycine 729 with aspartic acid.
Molecular consequence: missense variant.
Genome position (GRCh38, 1-based): chr2:46,381,988, G>A. VCF-style: chr2-46381988-G-A. GRCh37 (hg19) VCF-style: chr2-46609127-G-A.
Other names: short protein forms G729D.
Identifiers: ClinVar variation 4735907 (VCV004735907.1).
Genomic context (GRCh38, chr2:46,381,988, plus strand): 5'-TGGTTCTCTGGCCATTTCCCCTTTCCATCTGCCCTTCTTACTCCCAGGGGGACCCACCTG[G>A]TGGCAGCACCTCACATTTGATGTGGAAACGGATGAAGAACCTCAGGGGTGGGAGCTGCCC-3'
Protein context (NP_001421.2, residues 719-739): FQDLSGGDPP[Gly729Asp]GSTSHLMWKR

ClinVar aggregate classification (germline): Uncertain significance (1 of 4 stars; one submission).

Submission:

Labcorp Genetics (formerly Invitae), Labcorp
Classification: Uncertain significance. Last evaluated: 2026-01-21. Review status: criteria provided, single submitter. Criteria: Invitae Variant Classification Sherloc (09022015). Collection method: clinical testing. Allele origin: germline.
Comment: This sequence change replaces glycine, which is neutral and non-polar, with aspartic acid, which is acidic and polar, at codon 729 of the EPAS1 protein (p.Gly729Asp). This variant is not present in population databases (gnomAD no frequency). This variant has not been reported in the literature in individuals affected with EPAS1-related conditions. An algorithm developed to predict the effect of missense changes on protein structure and function outputs the following: PolyPhen-2: "Benign". The aspartic acid amino acid residue is found in multiple mammalian species, which suggests that this missense change does not adversely affect protein function. In summary, the available evidence is currently insufficient to determine the role of this variant in disease. Therefore, it has been classified as a Variant of Uncertain Significance.